The following is an entry in ClinVar:

ClinVar aggregate classification (germline): Pathogenic (1 of 4 stars; one submission).

gnomAD v4.1: 11 of 1,612,394 alleles (0.00068%); highest among the groups gnomAD compares: Non-Finnish European, 0.00093%; no homozygotes.

Submission:

Labcorp Genetics (formerly Invitae), Labcorp
Classification: Pathogenic. Last evaluated: 2023-07-25. Review status: criteria provided, single submitter. Criteria: Invitae Variant Classification Sherloc (09022015). Collection method: clinical testing. Allele origin: germline.
Comment: This sequence change creates a premature translational stop signal (p.Glu234*) in the MYO15A gene. It is expected to result in an absent or disrupted protein product. Loss-of-function variants in MYO15A are known to be pathogenic (PMID: 17546645). This variant is not present in population databases (gnomAD no frequency). This premature translational stop signal has been observed in individual(s) with deafness (PMID: 23804846). For these reasons, this variant has been classified as Pathogenic.

Literature cited by the submitters: PubMed 17546645; PubMed 23804846.

NM_016239.4(MYO15A):c.700G>T (p.Glu234Ter)

Gene: MYO15A (myosin XVA; plus strand). Cytogenetic location: 17p11.2.
Variant type: single nucleotide variant.
Coding change: c.700G>T on transcript NM_016239.4 (MANE Select); coding-DNA position 700, G replaced by T.
Protein change: p.Glu234Ter; replaces glutamic acid 234 with a stop codon.
Molecular consequence: nonsense.
Genome position (GRCh38, 1-based): chr17:18,119,500, G>T. VCF-style: chr17-18119500-G-T. GRCh37 (hg19) VCF-style: chr17-18022814-G-T.
Other names: short protein forms E234*.
Identifiers: ClinVar variation 2736463 (VCV002736463.3), dbSNP rs767935511, ClinGen allele CA398575161.